The following is an entry in ClinVar:

NM_001985.3(ETFB):c.247G>A (p.Ala83Thr)

Gene: ETFB (electron transfer flavoprotein subunit beta; minus strand). Cytogenetic location: 19q13.41.
Variant type: single nucleotide variant.
Coding change: c.247G>A on transcript NM_001985.3 (MANE Select); coding-DNA position 247, G replaced by A.
Protein change: p.Ala83Thr; replaces alanine 83 with threonine.
Molecular consequence: missense variant.
Genome position (GRCh38, 1-based): chr19:51,353,260, C>T on the plus strand (G>A on the coding strand, the complement: ETFB is on the minus strand). VCF-style: chr19-51353260-C-T. GRCh37 (hg19) VCF-style: chr19-51856514-C-T.
Other names: c.247G>A (NM_001985.2); c.520G>A, p.Ala174Thr (NM_001014763.1); short protein forms A83T, A174T.
Identifiers: ClinVar variation 1510102 (VCV001510102.8), dbSNP rs1352787179, ClinGen allele CA407082700.

ClinVar aggregate classification (germline): Uncertain significance. Review status: criteria provided, multiple submitters, no conflicts (2 of 4 stars). 3 submissions from 3 submitters: Uncertain significance (3). Last evaluated 2026-01-19.

Conditions:
Inborn genetic diseases. Identifiers: MedGen C0950123, MeSH D030342.
Multiple acyl-CoA dehydrogenase deficiency (MADD). Also called: Glutaric Acidemia type 2; ETHYLMALONIC-ADIPICACIDURIA; GA II; Glutaric aciduria, type 2; Glutaric acidemia type II; GA 2. Identifiers: Orphanet 26791, MedGen C0268596, MONDO:0009282, OMIM 231680.

Allele frequency attached by ClinVar (database versions not stated): gnomAD exomes below 0.00001.
gnomAD v4.1: 2 of 1,614,060 alleles (0.00012%); highest among the groups gnomAD compares: Admixed American, 0.0033%; no homozygotes.

Submissions (3):

Labcorp Genetics (formerly Invitae), Labcorp
Classification: Uncertain significance for Multiple acyl-CoA dehydrogenase deficiency. Last evaluated: 2026-01-19. Review status: criteria provided, single submitter. Criteria: Invitae Variant Classification Sherloc (09022015). Collection method: clinical testing. Allele origin: germline.
Comment: This sequence change replaces alanine, which is neutral and non-polar, with threonine, which is neutral and polar, at codon 83 of the ETFB protein (p.Ala83Thr). This variant is present in population databases (no rsID available, gnomAD 0.003%). This variant has not been reported in the literature in individuals affected with ETFB-related conditions. ClinVar contains an entry for this variant (Variation ID: 1510102). Invitae Evidence Modeling of protein sequence and biophysical properties (such as structural, functional, and spatial information, amino acid conservation, physicochemical variation, residue mobility, and thermodynamic stability) indicates that this missense variant is expected to disrupt ETFB protein function with a positive predictive value of 95%. In summary, the available evidence is currently insufficient to determine the role of this variant in disease. Therefore, it has been classified as a Variant of Uncertain Significance.

Ambry Genetics
Classification: Uncertain significance for Inborn genetic diseases. Last evaluated: 2024-06-17. Review status: criteria provided, single submitter. Criteria: Ambry Variant Classification Scheme 2023. Collection method: clinical testing. Allele origin: germline.

Blueprint Genetics
Classification: Uncertain significance. Last evaluated: 2020-12-15. Review status: criteria provided, single submitter. Criteria: ACMG Guidelines, 2015. Collection method: clinical testing. Allele origin: germline.